The following is an entry in ClinVar:

ClinVar aggregate classification (germline): Uncertain significance (1 of 4 stars; one submission).

Submission:

Ambry Genetics
Classification: Uncertain significance. Last evaluated: 2023-05-27. Review status: criteria provided, single submitter. Criteria: Ambry Variant Classification Scheme 2023. Collection method: clinical testing. Allele origin: germline.
Comment: The p.E230D variant (also known as c.690G>T), located in coding exon 6 of the PDLIM3 gene, results from a G to T substitution at nucleotide position 690. The glutamic acid at codon 230 is replaced by aspartic acid, an amino acid with highly similar properties. This amino acid position is conserved. In addition, this alteration is predicted to be tolerated by in silico analysis. Since supporting evidence is limited at this time, the clinical significance of this alteration remains unclear.

NM_014476.6(PDLIM3):c.690G>T (p.Glu230Asp)

Gene: PDLIM3 (PDZ and LIM domain 3; minus strand). Cytogenetic location: 4q35.1.
Variant type: single nucleotide variant.
Coding change: c.690G>T on transcript NM_014476.6 (MANE Select); coding-DNA position 690, G replaced by T.
Protein change: p.Glu230Asp; replaces glutamic acid 230 with aspartic acid.
Molecular consequence: missense variant. On other transcripts: non-coding transcript variant (1).
Genome position (GRCh38, 1-based): chr4:185,506,625, C>A on the plus strand (G>T on the coding strand, the complement: PDLIM3 is on the minus strand). VCF-style: chr4-185506625-C-A. GRCh37 (hg19) VCF-style: chr4-186427779-C-A.
Other names: c.546G>T, p.Glu182Asp (NM_001114107.5); c.426G>T, p.Glu142Asp (NM_001257962.2); c.189G>T, p.Glu63Asp (NM_001257963.2); short protein forms E63D, E230D, E142D, E182D.
Identifiers: ClinVar variation 2563483 (VCV002563483.2), dbSNP rs2153332380, ClinGen allele CA358922992.